The following is an entry in ClinVar:

NM_003086.4(SNAPC4):c.3137C>A (p.Ala1046Glu)

Gene: SNAPC4 (small nuclear RNA activating complex polypeptide 4; minus strand). Cytogenetic location: 9q34.3.
Variant type: single nucleotide variant.
Coding change: c.3137C>A on transcript NM_003086.4 (MANE Select); coding-DNA position 3137, C replaced by A.
Protein change: p.Ala1046Glu; replaces alanine 1046 with glutamic acid.
Molecular consequence: missense variant.
Genome position (GRCh38, 1-based): chr9:136,378,690, G>T on the plus strand (C>A on the coding strand, the complement: SNAPC4 is on the minus strand). VCF-style: chr9-136378690-G-T. GRCh37 (hg19) VCF-style: chr9-139273142-G-T.
Other names: c.3137C>A, p.Ala1046Glu (NM_001394201.1); c.3053C>A, p.Ala1018Glu (NM_001394202.1, NM_001394203.1); short protein forms A1018E, A1046E.
Identifiers: ClinVar variation 4535095 (VCV004535095.6).

ClinVar aggregate classification (germline): Uncertain significance (1 of 4 stars; one submission).

gnomAD v4.1: 5 of 1,496,154 alleles (0.00033%); highest among the groups gnomAD compares: African/African-American, 0.0028%; no homozygotes.

Submission:

CeGaT Center for Human Genetics Tuebingen
Classification: Uncertain significance. Last evaluated: 2025-11-01. Review status: criteria provided, single submitter. Criteria: CeGaT Center For Human Genetics Tuebingen Variant Classification Criteria Version 2. Collection method: clinical testing. Allele origin: germline. Affected: yes. Observed: 1 variant allele.
Comment: SNAPC4: PM2, BP4